The following is an entry in ClinVar:

ClinVar aggregate classification (germline): Uncertain significance (1 of 4 stars; one submission).

Submission:

GeneDx
Classification: Uncertain significance. Last evaluated: 2024-12-31. Review status: criteria provided, single submitter. Criteria: GeneDx Variant Classification Process June 2021. Collection method: clinical testing. Allele origin: germline. Affected: yes.
Comment: In-frame deletion of 28 amino acids in a polyQ region; Not observed at significant frequency in large population cohorts (gnomAD); In silico analysis supports a deleterious effect on protein structure/function; In silico analysis is inconclusive as to whether the variant alters gene splicing. In the absence of RNA/functional studies, the actual effect of this sequence change is unknown; Has not been previously published as pathogenic or benign to our knowledge

NM_014491.4(FOXP2):c.483_566del (p.Gln164_Gln191del)

Gene: FOXP2 (forkhead box P2; plus strand). Cytogenetic location: 7q31.1.
Variant type: Deletion.
Coding change: c.483_566del on transcript NM_014491.4 (MANE Select); coding-DNA positions 483 to 566, 84 bases deleted.
Protein change: p.Gln164_Gln191del.
Molecular consequence: non-coding transcript variant (on NR_033766.2).
Genome position (GRCh38, 1-based): chr7:114,629,891-114,629,974, 84 bases deleted. GRCh37 (hg19): chr7:114,269,946-114,270,029.
Other names: c.483_566del, p.Gln164_Gln191del (NM_001172766.3, NM_148899.3); c.558_641del, p.Gln189_Gln216del (NM_001172767.2, NM_148898.4); c.534_617del, p.Gln181_Gln208del (NM_148900.4).
Identifiers: ClinVar variation 4055924 (VCV004055924.1).